The following is an entry in ClinVar:

ClinVar aggregate classification (germline): Uncertain significance (1 of 4 stars; one submission).

Allele frequency attached by ClinVar (database versions not stated): gnomAD 0.00003; TOPMed 0.00005.
gnomAD v4.1: 11 of 1,613,216 alleles (0.00068%); highest among the groups gnomAD compares: African/African-American, 0.013%; no homozygotes.

Submission:

GeneDx
Classification: Uncertain significance. Last evaluated: 2022-10-28. Review status: criteria provided, single submitter. Criteria: GeneDx Variant Classification Process June 2021. Collection method: clinical testing. Allele origin: germline. Affected: yes.
Comment: Has not been previously published as pathogenic or benign to our knowledge; In silico analysis suggests this variant may impact gene splicing. In the absence of RNA/functional studies, the actual effect of this sequence change is unknown.

NM_020964.3(EPG5):c.2413-3T>G

Gene: EPG5 (ectopic P-granules 5 autophagy tethering factor; minus strand). Cytogenetic location: 18q21.1.
Variant type: single nucleotide variant.
Coding change: c.2413-3T>G on transcript NM_020964.3 (MANE Select); 3 bases into the intron before coding-DNA position 2413, T replaced by G.
Molecular consequence: intron variant.
Genome position (GRCh38, 1-based): chr18:45,929,012, A>C on the plus strand (T>G on the coding strand, the complement: EPG5 is on the minus strand). VCF-style: chr18-45929012-A-C. GRCh37 (hg19) VCF-style: chr18-43508978-A-C.
Other names: c.2413-3T>G (NM_001410858.1, NM_001410859.1).
Identifiers: ClinVar variation 2501323 (VCV002501323.1), dbSNP rs750105637, ClinGen allele CA8949429.
Genomic context (GRCh38, chr18:45,929,012, plus strand): 5'-AAAGCTCTCGACCAACCTTTGAAAAAGTCTCTCTGGTAGACAAGGTGACATAAGATACCT[A>C]AATGGGGGGAAGGGGGAAGAAGATGGCACTTTTAATATCAATTAGCAGTCAAAACACACT-3'